The following is an entry in ClinVar:

GRCh37/hg19 Xq22.1-22.2(chrX:100866604-103411980)x1

Genes: ARMCX2 (armadillo repeat containing X-linked 2; minus strand), ARMCX3 (armadillo repeat containing X-linked 3; plus strand), ARMCX3-AS1 (ARMCX3 antisense RNA 1), ARMCX5 (armadillo repeat containing X-linked 5; plus strand), ARMCX5-GPRASP2 (ARMCX5-GPRASP2 readthrough; plus strand) and 37 more. Cytogenetic location: Xq22.1-22.2.
Variant type: copy number loss.
Change: copy number 1 of chrX:100,866,604-103,411,980 (2.55 Mb, GRCh37 coordinates, 1-based), cytogenetic band Xq22.1-22.2.
Identifiers: ClinVar variation 691846 (VCV000691846.2).

ClinVar aggregate classification (germline): Pathogenic (0 of 4 stars; one submission).

Conditions:
Early Onset Neurological Disease Trait.

Submission:

Lupski Lab, Baylor-Hopkins CMG, Baylor College of Medicine
Classification: Pathogenic for Early Onset Neurological Disease Trait. Review status: no assertion criteria provided. Collection method: research. Allele origin: unknown. Inheritance: X-linked inheritance. Affected: yes. Observed: 1 variant allele.